The following is an entry in ClinVar:

NM_001909.5(CTSD):c.471+6T>G

Gene: CTSD (cathepsin D; minus strand). Cytogenetic location: 11p15.5.
Variant type: single nucleotide variant.
Coding change: c.471+6T>G on transcript NM_001909.5 (MANE Select); 6 bases into the intron after coding-DNA position 471, T replaced by G.
Molecular consequence: intron variant.
Genome position (GRCh38, 1-based): chr11:1,758,963, A>C on the plus strand (T>G on the coding strand, the complement: CTSD is on the minus strand). VCF-style: chr11-1758963-A-C. GRCh37 (hg19) VCF-style: chr11-1780193-A-C.
Identifiers: ClinVar variation 1352160 (VCV001352160.4), dbSNP rs2133663481, ClinGen allele CA2573146018.
Genomic context (GRCh38, chr11:1,758,963, plus strand): 5'-CCCACGGTGGGTGAACCCCACACCCTGGCACCCTCGAGTCCTGGGAAAGGCCCCAGAGGG[A>C]CTCACCGACACAGTGTCCTGGCTCAGGTACCCGGAGAGGCTGCCCGAGCCATAGTGGATG-3'

ClinVar aggregate classification (germline): Uncertain significance (1 of 4 stars; one submission).

Conditions:
Neuronal ceroid lipofuscinosis. Also called: Neuronal Ceroid Lipofuscinoses. Identifiers: Orphanet 216, Orphanet 79263, MedGen C0027877, MONDO:0016295. Disease mechanism: loss of function.

Submission:

Labcorp Genetics (formerly Invitae), Labcorp
Classification: Uncertain significance for Neuronal ceroid lipofuscinosis. Last evaluated: 2021-11-17. Review status: criteria provided, single submitter. Criteria: Invitae Variant Classification Sherloc (09022015). Collection method: clinical testing. Allele origin: germline.
Comment: In summary, the available evidence is currently insufficient to determine the role of this variant in disease. Therefore, it has been classified as a Variant of Uncertain Significance. Variants that disrupt the consensus splice site are a relatively common cause of aberrant splicing (PMID: 17576681, 9536098). Algorithms developed to predict the effect of sequence changes on RNA splicing suggest that this variant may disrupt the consensus splice site. This variant has not been reported in the literature in individuals affected with CTSD-related conditions. This variant is not present in population databases (gnomAD no frequency). This sequence change falls in intron 4 of the CTSD gene. It does not directly change the encoded amino acid sequence of the CTSD protein. It affects a nucleotide within the consensus splice site.

Literature cited by the submitters: PubMed 17576681; PubMed 9536098.